The following is an entry in ClinVar:

ClinVar aggregate classification (germline): Uncertain significance (1 of 4 stars; one submission).

Submission:

GeneDx
Classification: Uncertain significance. Last evaluated: 2026-09-01. Review status: criteria provided, single submitter. Criteria: GeneDx Variant Classification Process June 2021. Collection method: clinical testing. Allele origin: germline.
Comment: Not observed at significant frequency in large population cohorts (gnomAD); Frameshift variant predicted to result in protein truncation or nonsense mediated decay in a gene or region of a gene for which loss of function is not a well-established mechanism of disease; Has not been previously published as pathogenic or benign to our knowledge

NM_012470.4(TNPO3):c.2193del (p.Thr732fs)

Gene: TNPO3 (transportin 3; minus strand). Cytogenetic location: 7q32.1.
Variant type: Deletion.
Coding change: c.2193del on transcript NM_012470.4 (MANE Select); coding-DNA position 2193, one base deleted (C; older notation c.2193delC).
Protein change: p.Thr732fs; shifts the reading frame from threonine 732.
Molecular consequence: frameshift variant. On other transcripts: non-coding transcript variant (18).
Genome position (GRCh38, 1-based): chr7:128,974,948, G deleted on the plus strand (C on the coding strand, the reverse complement: TNPO3 is on the minus strand); the first of 4 consecutive G bases (chr7:128,974,948-128,974,951); deleting any one gives the same sequence. VCF-style (leftmost placement, unchanged base first): chr7-128974947-TG-T. GRCh37 (hg19) VCF-style: chr7-128615001-TG-T.
Other names: c.2001del, p.Thr668fs (NM_001191028.3, NM_001382223.1); c.2295del, p.Thr766fs (NM_001382216.1); c.2274del, p.Thr759fs (NM_001382217.1); c.2193del, p.Thr732fs (NM_001382218.1); c.2085del, p.Thr696fs (NM_001382219.1); c.2052del, p.Thr685fs (NM_001382220.1); c.2049del, p.Thr684fs (NM_001382221.1); c.2046del, p.Thr683fs (NM_001382222.1); short protein forms T668fs, T683fs, T684fs, T685fs, T696fs, T732fs, T759fs, T766fs.
Identifiers: ClinVar variation 3371347 (VCV003371347.2).